The following is an entry in ClinVar:

NM_021098.3(CACNA1H):c.5162G>A (p.Arg1721His)

Gene: CACNA1H (calcium voltage-gated channel subunit alpha1 H; plus strand). Cytogenetic location: 16p13.3.
Variant type: single nucleotide variant.
Coding change: c.5162G>A on transcript NM_021098.3 (MANE Select); coding-DNA position 5162, G replaced by A.
Protein change: p.Arg1721His; replaces arginine 1721 with histidine.
Molecular consequence: missense variant.
Genome position (GRCh38, 1-based): chr16:1,215,364, G>A. VCF-style: chr16-1215364-G-A. GRCh37 (hg19) VCF-style: chr16-1265364-G-A.
Other names: c.5144G>A, p.Arg1715His (NM_001005407.2); short protein forms R1721H, R1715H.
Identifiers: ClinVar variation 585648 (VCV000585648.14), dbSNP rs747789914, ClinGen allele CA7801814.

ClinVar aggregate classification (germline): Uncertain significance. Review status: criteria provided, multiple submitters, no conflicts (2 of 4 stars). 4 submissions from 4 submitters: Uncertain significance (4). Last evaluated 2025-11-13.

Conditions:
Idiopathic generalized epilepsy. Also called: Generalised epilepsy; EIG. Identifiers: MedGen C0270850, MONDO:0005579, OMIM 600669.
Hyperaldosteronism, familial, type IV (HALD4). Also called: FH IV; ALDOSTERONISM, PRIMARY, AND HYPERTENSION. Identifiers: Orphanet 642671, MedGen C4310756, MONDO:0014875, OMIM 617027.
Epilepsy, childhood absence, susceptibility to, 6. Identifiers: Orphanet 64280, MedGen C2749872, MONDO:0012763, OMIM 611942.
Inborn genetic diseases. Identifiers: MedGen C0950123, MeSH D030342.

Allele frequency attached by ClinVar (database versions not stated): gnomAD exomes 0.00002 and 0.00004; gnomAD 0.00003 and 0.00004; TOPMed 0.00004; ExAC 0.00005.
gnomAD v4.1: 30 of 1,609,640 alleles (0.0019%); highest among the groups gnomAD compares: Admixed American, 0.005%; no homozygotes.

Submissions (4):

Labcorp Genetics (formerly Invitae), Labcorp
Classification: Uncertain significance for Idiopathic generalized epilepsy; Hyperaldosteronism, familial, type IV. Last evaluated: 2025-11-13. Review status: criteria provided, single submitter. Criteria: Invitae Variant Classification Sherloc (09022015). Collection method: clinical testing. Allele origin: germline.
Comment: This sequence change replaces arginine, which is basic and polar, with histidine, which is basic and polar, at codon 1721 of the CACNA1H protein (p.Arg1721His). This variant is present in population databases (rs747789914, gnomAD 0.02%). This variant has not been reported in the literature in individuals affected with CACNA1H-related conditions. ClinVar contains an entry for this variant (Variation ID: 585648). Invitae Evidence Modeling of protein sequence and biophysical properties (such as structural, functional, and spatial information, amino acid conservation, physicochemical variation, residue mobility, and thermodynamic stability) indicates that this missense variant is expected to disrupt CACNA1H protein function with a positive predictive value of 80%. In summary, the available evidence is currently insufficient to determine the role of this variant in disease. Therefore, it has been classified as a Variant of Uncertain Significance.

Ambry Genetics
Classification: Uncertain significance for Inborn genetic diseases. Last evaluated: 2023-03-17. Review status: criteria provided, single submitter. Criteria: Ambry Variant Classification Scheme 2023. Collection method: clinical testing. Allele origin: germline.

Fulgent Genetics
Classification: Uncertain significance for Epilepsy, childhood absence, susceptibility to, 6; Hyperaldosteronism, familial, type IV. Last evaluated: 2021-11-21. Review status: criteria provided, single submitter. Criteria: ACMG Guidelines, 2015. Collection method: clinical testing. Allele origin: unknown.

Athena Diagnostics
Classification: Uncertain significance. Last evaluated: 2018-03-12. Review status: criteria provided, single submitter. Criteria: Athena Diagnostics Criteria. Collection method: clinical testing. Allele origin: germline.